The following is an entry in ClinVar:

ClinVar aggregate classification (germline): Likely pathogenic (1 of 4 stars; one submission).

Conditions:
Familial focal epilepsy with variable foci (FPEVF). Identifiers: Orphanet 98820, MedGen C1858477, MONDO:0020310.

Submission:

Labcorp Genetics (formerly Invitae), Labcorp
Classification: Likely pathogenic for Familial focal epilepsy with variable foci. Last evaluated: 2022-11-07. Review status: criteria provided, single submitter. Criteria: Invitae Variant Classification Sherloc (09022015). Collection method: clinical testing. Allele origin: germline.
Comment: In summary, the currently available evidence indicates that the variant is pathogenic, but additional data are needed to prove that conclusively. Therefore, this variant has been classified as Likely Pathogenic. This variant disrupts the C-terminus of the DEPDC5 protein. Other variant(s) that disrupt this region (p.Val1544Serfs*30, p.Gln1501Hisfs*74) have been observed in individuals with DEPDC5-related conditions (PMID: 23542701; Invitae). This suggests that this may be a clinically significant region of the protein. This variant has not been reported in the literature in individuals affected with DEPDC5-related conditions. This variant is a gross deletion of the genomic region encompassing exon(s) 41 of the DEPDC5 gene. While this deletion is not anticipated to lead to nonsense mediated decay, it is expected to disrupt the C-terminus of the protein.

Literature cited by the submitters: PubMed 23542701.

NC_000022.11:g.(?_31901722)_(31901822_?)del

Gene: DEPDC5 (DEP domain containing 5, GATOR1 subcomplex subunit; plus strand). Cytogenetic location: 22q12.3.
Variant type: Deletion.
Identifiers: ClinVar variation 831729 (VCV000831729.8).